The following is an entry in ClinVar:

NM_004360.5(CDH1):c.1798A>G (p.Ile600Val)

Gene: CDH1 (cadherin 1; plus strand). Cytogenetic location: 16q22.1.
Variant type: single nucleotide variant.
Coding change: c.1798A>G on transcript NM_004360.5 (MANE Select); coding-DNA position 1798, A replaced by G.
Protein change: p.Ile600Val; replaces isoleucine 600 with valine.
Molecular consequence: missense variant. On other transcripts: 5 prime UTR variant (1).
Genome position (GRCh38, 1-based): chr16:68,822,087, A>G. VCF-style: chr16-68822087-A-G. GRCh37 (hg19) VCF-style: chr16-68855990-A-G.
Other names: c.1615A>G, p.Ile539Val (NM_001317184.2); c.250A>G, p.Ile84Val (NM_001317185.2); c.-168A>G (NM_001317186.2); short protein forms I600V, I84V, I539V.
Identifiers: ClinVar variation 918429 (VCV000918429.14), dbSNP rs1961161775, ClinGen allele CA396466696.

ClinVar aggregate classification (germline): Conflicting classifications of pathogenicity. Review status: criteria provided, conflicting classifications (1 of 4 stars). 3 submissions from 3 submitters: Uncertain significance (2); Likely benign (1). Last evaluated 2026-05-15.

Conditions:
Hereditary cancer-predisposing syndrome. Also called: Hereditary Cancer Syndrome; Neoplastic Syndromes, Hereditary; Tumor predisposition; Hereditary neoplastic syndrome. Identifiers: Orphanet 140162, MedGen C0027672, MeSH D009386, MONDO:0015356.
Hereditary diffuse gastric adenocarcinoma (HDGC). Also called: DIFFUSE GASTRIC AND LOBULAR BREAST CANCER SYNDROME. Identifiers: Orphanet 26106, MedGen C1708349, MONDO:0007648, OMIM 137215.

Submissions (3):

Ambry Genetics
Classification: Likely benign for Hereditary cancer-predisposing syndrome. Last evaluated: 2026-05-15. Review status: criteria provided, single submitter. Criteria: Ambry Variant Classification Scheme 2023. Collection method: clinical testing. Allele origin: germline.

Labcorp Genetics (formerly Invitae), Labcorp
Classification: Uncertain significance for Hereditary diffuse gastric adenocarcinoma. Last evaluated: 2025-07-30. Review status: criteria provided, single submitter. Criteria: Invitae Variant Classification Sherloc (09022015). Collection method: clinical testing. Allele origin: germline.
Comment: This sequence change replaces isoleucine, which is neutral and non-polar, with valine, which is neutral and non-polar, at codon 600 of the CDH1 protein (p.Ile600Val). This variant is not present in population databases (gnomAD no frequency). This variant has not been reported in the literature in individuals affected with CDH1-related conditions. ClinVar contains an entry for this variant (Variation ID: 918429). An algorithm developed to predict the effect of missense changes on protein structure and function (PolyPhen-2) suggests that this variant is likely to be tolerated. In summary, the available evidence is currently insufficient to determine the role of this variant in disease. Therefore, it has been classified as a Variant of Uncertain Significance.

Color Diagnostics, LLC DBA Color Health
Classification: Uncertain significance for Hereditary cancer-predisposing syndrome. Last evaluated: 2025-06-02. Review status: criteria provided, single submitter. Criteria: ACMG Guidelines, 2015. Collection method: clinical testing. Allele origin: germline.
Comment: This missense variant replaces isoleucine with valine at codon 600 of the CDH1 protein. To our knowledge, functional studies have not been reported for this variant. This variant has not been reported in individuals affected with CDH1-related disorders in the literature. This variant has not been identified in the general population by the Genome Aggregation Database (gnomAD). The available evidence is insufficient to determine the role of this variant in disease conclusively. Therefore, this variant is classified as a Variant of Uncertain Significance.